The following is an entry in ClinVar:

NM_002875.5(RAD51):c.144T>C (p.Thr48=)

Gene: RAD51 (RAD51 recombinase; plus strand). Cytogenetic location: 15q15.1.
Variant type: single nucleotide variant.
Coding change: c.144T>C on transcript NM_002875.5 (MANE Select); coding-DNA position 144, T replaced by C.
Protein change: p.Thr48=; no amino-acid change (threonine 48 retained).
Molecular consequence: synonymous variant.
Genome position (GRCh38, 1-based): chr15:40,701,120, T>C. VCF-style: chr15-40701120-T-C. GRCh37 (hg19) VCF-style: chr15-40993318-T-C.
Other names: c.144T>C, p.Thr48= (NM_001164269.2, NM_001164270.2, NM_133487.4); c.144T>C (NM_001164269.1).
Identifiers: ClinVar variation 743937 (VCV000743937.14), dbSNP rs140524566, ClinGen allele CA7483926.

ClinVar aggregate classification (germline): Likely benign. Review status: criteria provided, multiple submitters, no conflicts (2 of 4 stars). 4 submissions from 4 submitters: Likely benign (3). 1 of the submissions does not count toward it. Last evaluated 2025-12-17.

Conditions:
Inborn genetic diseases. Identifiers: MedGen C0950123, MeSH D030342.
RAD51-related disorder. Also called: RAD51-related disorders; RAD51-related condition.

Allele frequency attached by ClinVar (database versions not stated): gnomAD exomes 0.00009 and 0.00011; ExAC 0.00012; ESP Exome Variant Server 0.00015; gnomAD 0.00024 and 0.00027; TOPMed 0.00026.
gnomAD v4.1: 180 of 1,614,244 alleles (0.011%); highest among the groups gnomAD compares: Middle Eastern, 0.099%; 1 homozygote.

Submissions (4):

Labcorp Genetics (formerly Invitae), Labcorp
Classification: Likely benign. Last evaluated: 2025-12-17. Review status: criteria provided, single submitter. Criteria: Invitae Variant Classification Sherloc (09022015). Collection method: clinical testing. Allele origin: germline.

Blueprint Genetics
Classification: Likely benign. Last evaluated: 2024-11-25. Review status: criteria provided, single submitter. Criteria: ACMG Guidelines, 2015. Collection method: clinical testing. Allele origin: germline.

Ambry Genetics
Classification: Likely benign for Inborn genetic diseases. Last evaluated: 2024-11-08. Review status: criteria provided, single submitter. Criteria: Ambry Variant Classification Scheme 2023. Collection method: clinical testing. Allele origin: germline.

PreventionGenetics, part of Exact Sciences
Classification: Likely benign for RAD51-related condition. Last evaluated: 2023-08-09. Review status: no assertion criteria provided. Collection method: clinical testing. Allele origin: germline. Not counted in ClinVar's aggregate classification.
Comment: This variant is classified as likely benign based on ACMG/AMP sequence variant interpretation guidelines (Richards et al. 2015 PMID: 25741868, with internal and published modifications).